The following is an entry in ClinVar:

NM_152564.5(VPS13B):c.4812del (p.Ile1604fs)

Gene: VPS13B (vacuolar protein sorting 13 homolog B; plus strand). Cytogenetic location: 8q22.2.
Variant type: Deletion.
Coding change: c.4812del on transcript NM_152564.5 (MANE Select); coding-DNA position 4812, one base deleted (A; older notation c.4812delA).
Protein change: p.Ile1604fs; shifts the reading frame from isoleucine 1604.
Molecular consequence: frameshift variant.
Genome position (GRCh38, 1-based): chr8:99,556,516, A deleted. VCF-style (leftmost placement, unchanged base first): chr8-99556515-TA-T. GRCh37 (hg19) VCF-style: chr8-100568743-TA-T.
Other names: c.4887del, p.Ile1629fs (NM_017890.5); short protein forms I1629fs, I1604fs.
Identifiers: ClinVar variation 3719864 (VCV003719864.2).

ClinVar aggregate classification (germline): Pathogenic (1 of 4 stars; one submission).

Conditions:
Cohen syndrome (COH1). Also called: PEPPER SYNDROME; Cutis verticis gyrata, retinitis pigmentosa, and sensorineural deafness. Identifiers: Orphanet 193, MedGen C0265223, MONDO:0008999, OMIM 216550.

Submission:

Labcorp Genetics (formerly Invitae), Labcorp
Classification: Pathogenic for Cohen syndrome. Last evaluated: 2024-02-13. Review status: criteria provided, single submitter. Criteria: Invitae Variant Classification Sherloc (09022015). Collection method: clinical testing. Allele origin: germline.
Comment: This sequence change creates a premature translational stop signal (p.Ile1629Metfs*16) in the VPS13B gene. It is expected to result in an absent or disrupted protein product. Loss-of-function variants in VPS13B are known to be pathogenic (PMID: 15141358, 16648375, 20461111). This variant is not present in population databases (gnomAD no frequency). This variant has not been reported in the literature in individuals affected with VPS13B-related conditions. For these reasons, this variant has been classified as Pathogenic.

Literature cited by the submitters: PubMed 15141358; PubMed 16648375; PubMed 20461111.